The following is an entry in ClinVar:

ClinVar aggregate classification (germline): Uncertain significance (1 of 4 stars; one submission).

gnomAD v4.1: 2 of 1,614,142 alleles (0.00012%); highest among the groups gnomAD compares: East Asian, 0.0022%; no homozygotes.

Submission:

Labcorp Genetics (formerly Invitae), Labcorp
Classification: Uncertain significance. Last evaluated: 2024-12-31. Review status: criteria provided, single submitter. Criteria: Invitae Variant Classification Sherloc (09022015). Collection method: clinical testing. Allele origin: germline.
Comment: This sequence change replaces alanine, which is neutral and non-polar, with proline, which is neutral and non-polar, at codon 457 of the KRT6A protein (p.Ala457Pro). This variant is not present in population databases (gnomAD no frequency). This variant has not been reported in the literature in individuals affected with KRT6A-related conditions. Invitae Evidence Modeling of protein sequence and biophysical properties (such as structural, functional, and spatial information, amino acid conservation, physicochemical variation, residue mobility, and thermodynamic stability) has been performed for this missense variant. However, the output from this modeling did not meet the statistical confidence thresholds required to predict the impact of this variant on KRT6A protein function. In summary, the available evidence is currently insufficient to determine the role of this variant in disease. Therefore, it has been classified as a Variant of Uncertain Significance.

NM_005554.4(KRT6A):c.1369G>C (p.Ala457Pro)

Gene: KRT6A (keratin 6A; minus strand). Cytogenetic location: 12q13.13.
Variant type: single nucleotide variant.
Coding change: c.1369G>C on transcript NM_005554.4 (MANE Select); coding-DNA position 1369, G replaced by C.
Protein change: p.Ala457Pro; replaces alanine 457 with proline.
Molecular consequence: missense variant.
Genome position (GRCh38, 1-based): chr12:52,488,383, C>G on the plus strand (G>C on the coding strand, the complement: KRT6A is on the minus strand). VCF-style: chr12-52488383-C-G. GRCh37 (hg19) VCF-style: chr12-52882167-C-G.
Other names: short protein forms A457P.
Identifiers: ClinVar variation 3698367 (VCV003698367.2).